The following is an entry in ClinVar:

NM_001035.3(RYR2):c.6618A>C (p.Ile2206=)

Gene: RYR2 (ryanodine receptor 2; plus strand). Cytogenetic location: 1q43.
Variant type: single nucleotide variant.
Coding change: c.6618A>C on transcript NM_001035.3 (MANE Select); coding-DNA position 6618, A replaced by C.
Protein change: p.Ile2206=; no amino-acid change (isoleucine 2206 retained).
Molecular consequence: synonymous variant.
Genome position (GRCh38, 1-based): chr1:237,633,640, A>C. VCF-style: chr1-237633640-A-C. GRCh37 (hg19) VCF-style: chr1-237796940-A-C.
Identifiers: ClinVar variation 925324 (VCV000925324.13), dbSNP rs778352961, ClinGen allele CA087157.

ClinVar aggregate classification (germline): Likely benign. Review status: criteria provided, multiple submitters, no conflicts (2 of 4 stars). 3 submissions from 3 submitters: Likely benign (3). Last evaluated 2025-12-29.

Conditions:
Catecholaminergic polymorphic ventricular tachycardia (CVPT). Also called: Catecholamine-induced polymorphic ventricular tachycardia. Identifiers: Orphanet 3286, MedGen C5574922, MONDO:0017990.
Cardiomyopathy (CMYO). Also called: Cardiomyopathies. Identifiers: Orphanet 167848, MedGen C0878544, MONDO:0004994, HP:0001638. Inheritance: Various modes of inheritance.
Catecholaminergic polymorphic ventricular tachycardia 1. Also called: VENTRICULAR TACHYCARDIA, CATECHOLAMINERGIC POLYMORPHIC, 1, WITH OR WITHOUT ATRIAL DYSFUNCTION AND/OR DILATED CARDIOMYOPATHY; RYR2-Related Catecholaminergic Polymorphic Ventricular Tachycardia; VENTRICULAR TACHYCARDIA, STRESS-INDUCED POLYMORPHIC 1. Identifiers: Orphanet 3286, MedGen C1631597, MONDO:0011484, OMIM 604772.

Allele frequency attached by ClinVar (database versions not stated): gnomAD exomes below 0.00001 and 0.00001; gnomAD 0.00001; ExAC 0.00002.
gnomAD v4.1: 7 of 1,613,810 alleles (0.00043%); highest among the groups gnomAD compares: Non-Finnish European, 0.00051%; no homozygotes.

Submissions (3):

Labcorp Genetics (formerly Invitae), Labcorp
Classification: Likely benign for Catecholaminergic polymorphic ventricular tachycardia 1. Last evaluated: 2025-12-29. Review status: criteria provided, single submitter. Criteria: Invitae Variant Classification Sherloc (09022015). Collection method: clinical testing. Allele origin: germline.

All of Us Research Program, National Institutes of Health
Classification: Likely benign for Catecholaminergic polymorphic ventricular tachycardia. Last evaluated: 2023-06-26. Review status: criteria provided, single submitter. Criteria: ACMG Guidelines, 2015. Collection method: clinical testing. Allele origin: germline. Inheritance: Autosomal dominant inheritance. Observed: 3 variant alleles, 3 heterozygotes.
Comment: This study involves interpretation of variants in research participants for the purpose of population health screening. Participant phenotype was not available at the time of variant classification. Additional details can be found in publication PMID: 35346344, PMCID: PMC8962531

Color Diagnostics, LLC DBA Color Health
Classification: Likely benign for Cardiomyopathy. Last evaluated: 2018-11-27. Review status: criteria provided, single submitter. Criteria: ACMG Guidelines, 2015. Collection method: clinical testing. Allele origin: germline.